The following is an entry in ClinVar:

NM_014639.4(SKIC3):c.1405G>A (p.Glu469Lys)

Gene: SKIC3 (SKI3 subunit of superkiller complex; minus strand). Cytogenetic location: 5q15.
Variant type: single nucleotide variant.
Coding change: c.1405G>A on transcript NM_014639.4 (MANE Select); coding-DNA position 1405, G replaced by A.
Protein change: p.Glu469Lys; replaces glutamic acid 469 with lysine.
Molecular consequence: missense variant.
Genome position (GRCh38, 1-based): chr5:95,524,512, C>T on the plus strand (G>A on the coding strand, the complement: SKIC3 is on the minus strand). VCF-style: chr5-95524512-C-T. GRCh37 (hg19) VCF-style: chr5-94860216-C-T.
Other names: short protein forms E469K.
Identifiers: ClinVar variation 1496813 (VCV001496813.6), dbSNP rs759846103, ClinGen allele CA3347339.

ClinVar aggregate classification (germline): Uncertain significance (1 of 4 stars; one submission).

Allele frequency attached by ClinVar (database versions not stated): gnomAD exomes below 0.00001; ExAC 0.00001; TOPMed 0.00001.
gnomAD v4.1: 2 of 1,613,754 alleles (0.00012%); highest among the groups gnomAD compares: East Asian, 0.0022%; no homozygotes.

Submission:

Labcorp Genetics (formerly Invitae), Labcorp
Classification: Uncertain significance. Last evaluated: 2023-07-17. Review status: criteria provided, single submitter. Criteria: Invitae Variant Classification Sherloc (09022015). Collection method: clinical testing. Allele origin: germline.
Comment: In summary, the available evidence is currently insufficient to determine the role of this variant in disease. Therefore, it has been classified as a Variant of Uncertain Significance. An algorithm developed to predict the effect of missense changes on protein structure and function (PolyPhen-2) suggests that this variant is likely to be tolerated. ClinVar contains an entry for this variant (Variation ID: 1496813). This variant has not been reported in the literature in individuals affected with TTC37-related conditions. This variant is present in population databases (rs759846103, gnomAD 0.0009%). This sequence change replaces glutamic acid, which is acidic and polar, with lysine, which is basic and polar, at codon 469 of the TTC37 protein (p.Glu469Lys).